The following is an entry in ClinVar:

NM_020070.4(IGLL1):c.344C>T (p.Ser115Leu)

Gene: IGLL1 (immunoglobulin lambda like polypeptide 1; minus strand). Cytogenetic location: 22q11.23.
Variant type: single nucleotide variant.
Coding change: c.344C>T on transcript NM_020070.4 (MANE Select); coding-DNA position 344, C replaced by T.
Protein change: p.Ser115Leu; replaces serine 115 with leucine.
Molecular consequence: missense variant. On other transcripts: synonymous variant (1).
Genome position (GRCh38, 1-based): chr22:23,573,564, G>A on the plus strand (C>T on the coding strand, the complement: IGLL1 is on the minus strand). VCF-style: chr22-23573564-G-A. GRCh37 (hg19) VCF-style: chr22-23915751-G-A.
Other names: c.347C>T, p.Ser116Leu (NM_001369906.1); c.228C>T, p.Leu76= (NM_152855.3); short protein forms S115L, S116L.
Identifiers: ClinVar variation 1053838 (VCV001053838.7), dbSNP rs539240472, ClinGen allele CA10143301.

ClinVar aggregate classification (germline): Uncertain significance (1 of 4 stars; one submission).

Conditions:
Agammaglobulinemia 2, autosomal recessive (AGM2). Also called: AGAMMAGLOBULINEMIA, AUTOSOMAL RECESSIVE, DUE TO IGLL1 DEFECT. Identifiers: MedGen C3150750, MONDO:0013287, OMIM 613500.

Allele frequency attached by ClinVar (database versions not stated): gnomAD 0.00001 and 0.00007; TOPMed 0.00003; ExAC 0.00008; gnomAD exomes 0.00008; 1000 Genomes Project 30x 0.00016; 1000 Genomes Project 0.00020.
gnomAD v4.1: 74 of 1,613,862 alleles (0.0046%); highest among the groups gnomAD compares: South Asian, 0.055%; no homozygotes.

Submission:

Labcorp Genetics (formerly Invitae), Labcorp
Classification: Uncertain significance for Agammaglobulinemia 2, autosomal recessive. Last evaluated: 2024-04-25. Review status: criteria provided, single submitter. Criteria: Invitae Variant Classification Sherloc (09022015). Collection method: clinical testing. Allele origin: germline.
Comment: This sequence change replaces serine, which is neutral and polar, with leucine, which is neutral and non-polar, at codon 115 of the IGLL1 protein (p.Ser115Leu). This variant is present in population databases (rs539240472, gnomAD 0.06%), and has an allele count higher than expected for a pathogenic variant. This variant has not been reported in the literature in individuals affected with IGLL1-related conditions. ClinVar contains an entry for this variant (Variation ID: 1053838). Algorithms developed to predict the effect of missense changes on protein structure and function output the following: SIFT: "Not Available"; PolyPhen-2: "Benign"; Align-GVGD: "Not Available". The leucine amino acid residue is found in multiple mammalian species, which suggests that this missense change does not adversely affect protein function. In summary, the available evidence is currently insufficient to determine the role of this variant in disease. Therefore, it has been classified as a Variant of Uncertain Significance.